The following is an entry in ClinVar:

NM_001110556.2(FLNA):c.2103C>T (p.His701=)

Gene: FLNA (filamin A; minus strand). Cytogenetic location: Xq28.
Variant type: single nucleotide variant.
Coding change: c.2103C>T on transcript NM_001110556.2 (MANE Select); coding-DNA position 2103, C replaced by T.
Protein change: p.His701=; no amino-acid change (histidine 701 retained).
Molecular consequence: synonymous variant.
Genome position (GRCh38, 1-based): chrX:154,364,292, G>A on the plus strand (C>T on the coding strand, the complement: FLNA is on the minus strand). VCF-style: chrX-154364292-G-A. GRCh37 (hg19) VCF-style: chrX-153592660-G-A.
Other names: c.2103C>T, p.His701= (NM_001456.4); c.2103C>T (NM_001110556.1).
Identifiers: ClinVar variation 379636 (VCV000379636.48), dbSNP rs200227077, ClinGen allele CA10561011.

ClinVar aggregate classification (germline): Benign/Likely benign. Review status: criteria provided, multiple submitters, no conflicts (2 of 4 stars). 9 submissions from 9 submitters: Benign (4); Likely benign (4). 1 of the submissions does not count toward it. Last evaluated 2026-01-18.

Conditions:
FLNA-related disorder.
Familial thoracic aortic aneurysm and aortic dissection (TAAD). Also called: Thoracic aortic aneurysms and dissections. Identifiers: Orphanet 91387, MedGen C4707243, MONDO:0019625.
Heterotopia, periventricular, X-linked dominant (PVNH1). Also called: PERIVENTRICULAR NODULAR HETEROTOPIA 4; HETEROTOPIA, PERIVENTRICULAR, 1; X-linked periventricular heterotopia; PERIVENTRICULAR NODULAR HETEROTOPIA 1. Identifiers: Orphanet 2149, Orphanet 82004, MedGen C1848213, MONDO:0010233, OMIM 300049.
Frontometaphyseal dysplasia (FMD1). Identifiers: Orphanet 1826, MedGen C0265293, MONDO:0015942.
Oto-palato-digital syndrome, type II (OPD2). Also called: Otopalatodigital Syndrome, Type II; OPD II SYNDROME; Otopalatodigital Syndrome Type 2 (FLNA-OPD2); FACIOPALATOOSSEOUS SYNDROME. Identifiers: Orphanet 669, Orphanet 90652, MedGen C1844696, MONDO:0010571, OMIM 304120.
Melnick-Needles syndrome (MNS). Also called: OSTEODYSPLASTY OF MELNICK AND NEEDLES; Melnick-Needles Syndrome (FLNA-MNS); MELNICK-NEEDLES OSTEODYSPLASTY. Identifiers: Orphanet 2484, MedGen C0025237, MONDO:0010650, OMIM 309350.

Allele frequency attached by ClinVar (database versions not stated): ESP Exome Variant Server 0.00010; TOPMed 0.00014; ExAC 0.00015; gnomAD 0.00017 and 0.00018; gnomAD exomes 0.00019 and 0.00022.
gnomAD v4.1: 253 of 1,209,406 alleles (0.021%); highest among the groups gnomAD compares: Non-Finnish European, 0.027%; no homozygotes.

Submissions (9):

Labcorp Genetics (formerly Invitae), Labcorp
Classification: Benign for Oto-palato-digital syndrome, type II; Heterotopia, periventricular, X-linked dominant; Frontometaphyseal dysplasia; Melnick-Needles syndrome. Last evaluated: 2026-01-18. Review status: criteria provided, single submitter. Criteria: Invitae Variant Classification Sherloc (09022015). Collection method: clinical testing. Allele origin: germline.

CeGaT Center for Human Genetics Tuebingen
Classification: Likely benign. Last evaluated: 2025-07-01. Review status: criteria provided, single submitter. Criteria: CeGaT Center For Human Genetics Tuebingen Variant Classification Criteria Version 2. Collection method: clinical testing. Allele origin: germline. Affected: yes. Observed: 3 variant alleles.
Comment: FLNA: BP4, BP7, BS2

Women's Health and Genetics/Laboratory Corporation of America, LabCorp
Classification: Benign. Last evaluated: 2025-06-09. Review status: criteria provided, single submitter. Criteria: LabCorp Variant Classification Summary - May 2015. Collection method: clinical testing. Allele origin: germline.

Laboratory of Genetics, Children's Clinical University Hospital Latvia
Classification: Benign. Last evaluated: 2025-02-16. Review status: criteria provided, single submitter. Criteria: ACMG Guidelines, 2015. Collection method: clinical testing. Allele origin: germline. Affected: yes.

Blueprint Genetics
Classification: Likely benign. Last evaluated: 2024-10-04. Review status: criteria provided, single submitter. Criteria: ACMG Guidelines, 2015. Collection method: clinical testing. Allele origin: germline.

ARUP Laboratories, Molecular Genetics and Genomics, ARUP Laboratories
Classification: Likely benign. Last evaluated: 2024-02-20. Review status: criteria provided, single submitter. Criteria: ARUP Molecular Germline Variant Investigation Process 2024. Collection method: clinical testing. Allele origin: germline.

Ambry Genetics
Classification: Likely benign for Familial thoracic aortic aneurysm and aortic dissection. Last evaluated: 2017-07-25. Review status: criteria provided, single submitter. Criteria: Ambry Variant Classification Scheme 2023. Collection method: clinical testing. Allele origin: germline.

GeneDx
Classification: Benign. Last evaluated: 2016-11-14. Review status: criteria provided, single submitter. Criteria: GeneDx Variant Classification (06012015). Collection method: clinical testing. Allele origin: germline. Affected: yes.
Comment: This variant is considered likely benign or benign based on one or more of the following criteria: it is a conservative change, it occurs at a poorly conserved position in the protein, it is predicted to be benign by multiple in silico algorithms, and/or has population frequency not consistent with disease.

PreventionGenetics, part of Exact Sciences
Classification: Likely benign for FLNA-related condition. Last evaluated: 2019-05-02. Review status: no assertion criteria provided. Collection method: clinical testing. Allele origin: germline. Not counted in ClinVar's aggregate classification.
Comment: This variant is classified as likely benign based on ACMG/AMP sequence variant interpretation guidelines (Richards et al. 2015 PMID: 25741868, with internal and published modifications).